The following is an entry in ClinVar:

NM_032898.5(CEP19):c.168G>A (p.Pro56=)

Gene: CEP19 (centrosomal protein 19; minus strand). Cytogenetic location: 3q29.
Variant type: single nucleotide variant.
Coding change: c.168G>A on transcript NM_032898.5 (MANE Select); coding-DNA position 168, G replaced by A.
Protein change: p.Pro56=; no amino-acid change (proline 56 retained).
Molecular consequence: synonymous variant.
Genome position (GRCh38, 1-based): chr3:196,707,875, C>T on the plus strand (G>A on the coding strand, the complement: CEP19 is on the minus strand). VCF-style: chr3-196707875-C-T. GRCh37 (hg19) VCF-style: chr3-196434746-C-T.
Identifiers: ClinVar variation 789171 (VCV000789171.31), dbSNP rs116167439, ClinGen allele CA2782131.

ClinVar aggregate classification (germline): Benign. Review status: criteria provided, multiple submitters, no conflicts (2 of 4 stars). 3 submissions from 3 submitters: Benign (3). Last evaluated 2026-08-01.

Allele frequency attached by ClinVar (database versions not stated): 1000 Genomes Project 30x 0.00375; 1000 Genomes Project 0.00399; TOPMed 0.00702; gnomAD 0.00841 and 0.00872; gnomAD exomes 0.00841 and 0.01061; ExAC 0.00863; ESP Exome Variant Server 0.00944.

Submissions (3):

CeGaT Center for Human Genetics Tuebingen
Classification: Benign. Last evaluated: 2026-08-01. Review status: criteria provided, single submitter. Criteria: CeGaT Center For Human Genetics Tuebingen Variant Classification Criteria Version 2. Collection method: clinical testing. Allele origin: germline. Affected: yes. Observed: 12 variant alleles.
Comment: CEP19: BP4, BP7, BS1, BS2

Labcorp Genetics (formerly Invitae), Labcorp
Classification: Benign. Last evaluated: 2026-02-02. Review status: criteria provided, single submitter. Criteria: Invitae Variant Classification Sherloc (09022015). Collection method: clinical testing. Allele origin: germline.

Breakthrough Genomics
Classification: Benign. Review status: criteria provided, single submitter. Criteria: ACMG Guidelines, 2015. Collection method: not provided. Allele origin: germline. Inheritance: Autosomal recessive inheritance. Affected: yes.